The following is an entry in ClinVar:

NM_006642.5(SDCCAG8):c.1617-1G>A

Gene: SDCCAG8 (SHH signaling and ciliogenesis regulator SDCCAG8; plus strand). Cytogenetic location: 1q43.
Variant type: single nucleotide variant.
Coding change: c.1617-1G>A on transcript NM_006642.5 (MANE Select); the canonical splice acceptor site of the intron before coding-DNA position 1617, G replaced by A.
Molecular consequence: splice acceptor variant.
Genome position (GRCh38, 1-based): chr1:243,415,701, G>A. VCF-style: chr1-243415701-G-A. GRCh37 (hg19) VCF-style: chr1-243579003-G-A.
Other names: c.1323-1G>A (NM_001350249.2); c.714-1G>A (NM_001350251.2, NM_001350246.2, NM_001350247.2); c.1713-1G>A (NM_001350248.2).
Identifiers: ClinVar variation 1992637 (VCV001992637.4), dbSNP rs2528443064, ClinGen allele CA345667057.

ClinVar aggregate classification (germline): Likely pathogenic (1 of 4 stars; one submission).

Conditions:
Bardet-Biedl syndrome 16 (BBS16). Identifiers: Orphanet 110, MedGen C3889474, MONDO:0014444, OMIM 615993.
Senior-Loken syndrome 7 (SLSN7). Identifiers: Orphanet 3156, MedGen C3150877, MONDO:0013326, OMIM 613615.

Submission:

Labcorp Genetics (formerly Invitae), Labcorp
Classification: Likely pathogenic for Bardet-Biedl syndrome 16; Senior-Loken syndrome 7. Last evaluated: 2022-05-10. Review status: criteria provided, single submitter. Criteria: Invitae Variant Classification Sherloc (09022015). Collection method: clinical testing. Allele origin: germline.
Comment: This sequence change affects an acceptor splice site in intron 13 of the SDCCAG8 gene. It is expected to disrupt RNA splicing. Variants that disrupt the donor or acceptor splice site typically lead to a loss of protein function (PMID: 16199547), and loss-of-function variants in SDCCAG8 are known to be pathogenic (PMID: 20835237, 22190896). This variant is not present in population databases (gnomAD no frequency). This variant has not been reported in the literature in individuals affected with SDCCAG8-related conditions. Algorithms developed to predict the effect of sequence changes on RNA splicing suggest that this variant may disrupt the consensus splice site. In summary, the currently available evidence indicates that the variant is pathogenic, but additional data are needed to prove that conclusively. Therefore, this variant has been classified as Likely Pathogenic.

Literature cited by the submitters: PubMed 16199547; PubMed 20835237; PubMed 22190896.